The following is an entry in ClinVar:

ClinVar aggregate classification (germline): Uncertain significance. Review status: criteria provided, multiple submitters, no conflicts (2 of 4 stars). 2 submissions from 2 submitters: Uncertain significance (2). Last evaluated 2022-09-29.

Submissions (2):

Labcorp Genetics (formerly Invitae), Labcorp
Classification: Uncertain significance. Last evaluated: 2022-09-29. Review status: criteria provided, single submitter. Criteria: Invitae Variant Classification Sherloc (09022015). Collection method: clinical testing. Allele origin: germline.
Comment: This sequence change creates a premature translational stop signal (p.Ile1428Serfs*14) in the SMARCA2 gene. It is expected to result in an absent or disrupted protein product. However, the current clinical and genetic evidence is not sufficient to establish whether loss-of-function variants in SMARCA2 cause disease. This variant is not present in population databases (gnomAD no frequency). This variant has not been reported in the literature in individuals affected with SMARCA2-related conditions. In summary, the available evidence is currently insufficient to determine the role of this variant in disease. Therefore, it has been classified as a Variant of Uncertain Significance.

GeneDx
Classification: Uncertain significance. Last evaluated: 2021-12-13. Review status: criteria provided, single submitter. Criteria: GeneDx Variant Classification Process June 2021. Collection method: clinical testing. Allele origin: germline. Affected: yes.
Comment: Not observed at significant frequency in large population cohorts (gnomAD); Frameshift variant predicted to result in protein truncation or nonsense mediated decay in a gene for which loss-of-function is not a known mechanism of disease; Has not been previously published as pathogenic or benign to our knowledge

NM_003070.5(SMARCA2):c.4283_4286del (p.Ile1428fs)

Gene: SMARCA2 (SWI/SNF related BAF chromatin remodeling complex subunit ATPase 2; plus strand). Cytogenetic location: 9p24.3.
Variant type: Microsatellite.
Coding change: c.4283_4286del on transcript NM_003070.5 (MANE Select); coding-DNA positions 4283 to 4286, 4 bases deleted (TTCA; older notation c.4283_4286delTTCA).
Protein change: p.Ile1428fs; shifts the reading frame from isoleucine 1428.
Molecular consequence: frameshift variant.
Genome position (GRCh38, 1-based): chr9:2,181,600-2,181,603, TTCA deleted; deleting any 4 consecutive bases within chr9:2,181,596-2,181,603 gives the same sequence; the c. name uses the placement nearest the transcript's 3' end. VCF-style (leftmost placement, unchanged base first): chr9-2181595-CTTCA-C. GRCh37 (hg19) VCF-style: chr9-2181595-CTTCA-C.
Other names: c.4279_4282TTCA[1], p.Ile1428Serfs (NM_001289396.2); c.4055_4058del, p.Ile1352fs (NM_001289397.2); c.257_260del, p.Ile86fs (NM_001289398.2); c.337_340TTCA[1], p.Ile114Serfs (NM_001289399.2); c.343_346TTCA[1], p.Ile116Serfs (NM_001289400.2); c.4229_4232del, p.Ile1410fs (NM_139045.4); short protein forms I114fs, I116fs, I1352fs, I1410fs, I1428fs, I86fs.
Identifiers: ClinVar variation 1691667 (VCV001691667.8), dbSNP rs2129876075, ClinGen allele CA2580616145.